The following is an entry in ClinVar:

ClinVar aggregate classification (germline): Uncertain significance. Review status: criteria provided, multiple submitters, no conflicts (2 of 4 stars). 2 submissions from 2 submitters: Uncertain significance (2). Last evaluated 2024-04-24.

Conditions:
DICER1-related tumor predisposition. Also called: DICER1-related pleuropulmonary blastoma cancer predisposition syndrome; DICER1 syndrome. Identifiers: Orphanet 284343, MedGen C3839822, MONDO:0100216.
Hereditary cancer-predisposing syndrome. Also called: Hereditary Cancer Syndrome; Tumor predisposition; Neoplastic Syndromes, Hereditary; Hereditary neoplastic syndrome. Identifiers: Orphanet 140162, MedGen C0027672, MeSH D009386, MONDO:0015356.

Allele frequency attached by ClinVar (database versions not stated): gnomAD exomes below 0.00001; ExAC 0.00001; gnomAD 0.00001; 1000 Genomes Project 30x 0.00016; 1000 Genomes Project 0.00020.
gnomAD v4.1: 5 of 1,613,408 alleles (0.00031%); highest among the groups gnomAD compares: East Asian, 0.0089%; no homozygotes.

Submissions (2):

Labcorp Genetics (formerly Invitae), Labcorp
Classification: Uncertain significance for DICER1-related tumor predisposition. Last evaluated: 2024-04-24. Review status: criteria provided, single submitter. Criteria: Invitae Variant Classification Sherloc (09022015). Collection method: clinical testing. Allele origin: germline.
Comment: This sequence change replaces alanine, which is neutral and non-polar, with valine, which is neutral and non-polar, at codon 74 of the DICER1 protein (p.Ala74Val). This variant is present in population databases (rs200331768, gnomAD 0.01%). This variant has not been reported in the literature in individuals affected with DICER1-related conditions. Advanced modeling of protein sequence and biophysical properties (such as structural, functional, and spatial information, amino acid conservation, physicochemical variation, residue mobility, and thermodynamic stability) has been performed at Invitae for this missense variant, however the output from this modeling did not meet the statistical confidence thresholds required to predict the impact of this variant on DICER1 protein function. In summary, the available evidence is currently insufficient to determine the role of this variant in disease. Therefore, it has been classified as a Variant of Uncertain Significance.

Ambry Genetics
Classification: Uncertain significance for Hereditary cancer-predisposing syndrome. Last evaluated: 2022-11-25. Review status: criteria provided, single submitter. Criteria: Ambry Variant Classification Scheme 2023. Collection method: clinical testing. Allele origin: germline.
Comment: The p.A74V variant (also known as c.221C>T), located in coding exon 2 of the DICER1 gene, results from a C to T substitution at nucleotide position 221. The alanine at codon 74 is replaced by valine, an amino acid with similar properties. This amino acid position is conserved. In addition, the in silico prediction for this alteration is inconclusive. Since supporting evidence is limited at this time, the clinical significance of this alteration remains unclear.

NM_177438.3(DICER1):c.221C>T (p.Ala74Val)

Gene: DICER1 (dicer 1, ribonuclease III; minus strand). Cytogenetic location: 14q32.13.
Variant type: single nucleotide variant.
Coding change: c.221C>T on transcript NM_177438.3 (MANE Select); coding-DNA position 221, C replaced by T.
Protein change: p.Ala74Val; replaces alanine 74 with valine.
Molecular consequence: missense variant. On other transcripts: 5 prime UTR variant (9), non-coding transcript variant (6).
Genome position (GRCh38, 1-based): chr14:95,132,601, G>A on the plus strand (C>T on the coding strand, the complement: DICER1 is on the minus strand). VCF-style: chr14-95132601-G-A. GRCh37 (hg19) VCF-style: chr14-95598938-G-A.
Other names: c.221C>T, p.Ala74Val (NM_001195573.1, NM_001271282.3, NM_001291628.2 and 15 more transcripts); c.-54C>T (NM_001395686.1, NM_001395687.1, NM_001395688.1 and 4 more transcripts); c.-238C>T (NM_001395691.1); c.-1348C>T (NM_001395697.1); short protein forms A74V.
Identifiers: ClinVar variation 3229331 (VCV003229331.3), dbSNP rs200331768, ClinGen allele CA7331713.